The following is an entry in ClinVar:

NM_003073.5(SMARCB1):c.445A>G (p.Thr149Ala)

Gene: SMARCB1 (SWI/SNF related BAF chromatin remodeling complex subunit B1; plus strand). Cytogenetic location: 22q11.23.
Variant type: single nucleotide variant.
Coding change: c.445A>G on transcript NM_003073.5 (MANE Select); coding-DNA position 445, A replaced by G.
Protein change: p.Thr149Ala; replaces threonine 149 with alanine.
Molecular consequence: missense variant.
Genome position (GRCh38, 1-based): chr22:23,801,026, A>G. VCF-style: chr22-23801026-A-G. GRCh37 (hg19) VCF-style: chr22-24143213-A-G.
Other names: c.418A>G, p.Thr140Ala (NM_001007468.3, NM_001317946.2); c.445A>G, p.Thr149Ala (NM_001362877.2); short protein forms T149A, T140A.
Identifiers: ClinVar variation 5029932 (VCV005029932.1).

ClinVar aggregate classification (germline): Uncertain significance (1 of 4 stars; one submission).

Conditions:
Hereditary cancer-predisposing syndrome. Also called: Neoplastic Syndromes, Hereditary; Tumor predisposition; Hereditary neoplastic syndrome; Hereditary Cancer Syndrome. Identifiers: Orphanet 140162, MedGen C0027672, MeSH D009386, MONDO:0015356.

Submission:

Ambry Genetics
Classification: Uncertain significance for Hereditary cancer-predisposing syndrome. Last evaluated: 2026-07-07. Review status: criteria provided, single submitter. Criteria: Ambry Variant Classification Scheme 2023. Collection method: clinical testing. Allele origin: germline.
Comment: The p.T149A variant (also known as c.445A>G), located in coding exon 4 of the SMARCB1 gene, results from an A to G substitution at nucleotide position 445. The threonine at codon 149 is replaced by alanine, an amino acid with similar properties. This amino acid position is conserved. In addition, this alteration is predicted to be deleterious by in silico analysis. Based on the available evidence, the clinical significance of this variant remains unclear.